The following is an entry in ClinVar:

ClinVar aggregate classification (germline): Conflicting classifications of pathogenicity. Review status: criteria provided, conflicting classifications (1 of 4 stars). 2 submissions from 2 submitters: Pathogenic (1); Uncertain significance (1). Last evaluated 2026-06-19.

Conditions:
DES-related disorder. Also called: DES-related condition.

Allele frequency attached by ClinVar (database versions not stated): TOPMed below 0.00001.

Submissions (2):

PreventionGenetics, part of Exact Sciences
Classification: Uncertain significance for DES-related condition. Last evaluated: 2026-06-19. Review status: criteria provided, single submitter. Criteria: ACMG Guidelines, 2015. Collection method: clinical testing. Allele origin: germline.
Comment: The DES c.1289-741G>A variant is predicted to interfere with splicing. This variant has been reported in the compound heterozygous state in a family presenting with congenital myasthenic syndrome (Riley et al. 2019. PubMed ID: 31024060). This variant has not been reported in a large population database (gnomAD), indicating this variant is rare. RT-PCR studies suggest the c.1289-741G>A variant results in an aberrant mRNA transcript incorporating a 118-nucleotide insertion causing a premature termination codon at p.Thr431Serfs*43 (Riley et al. 2019. PubMed ID: 31024060). Although we suspect that this variant may be pathogenic, at this time, the clinical significance of this variant is uncertain due to the absence of conclusive functional and genetic evidence.

CeGaT Center for Human Genetics Tuebingen
Classification: Pathogenic. Last evaluated: 2022-02-01. Review status: criteria provided, single submitter. Criteria: CeGaT Center For Human Genetics Tuebingen Variant Classification Criteria Version 2. Collection method: clinical testing. Allele origin: germline. Affected: yes. Observed: 1 variant allele.

NM_001927.4(DES):c.1289-741G>A

Gene: DES (desmin; plus strand). Cytogenetic location: 2q35.
Variant type: single nucleotide variant.
Coding change: c.1289-741G>A on transcript NM_001927.4 (MANE Select); 741 bases into the intron before coding-DNA position 1289, G replaced by A.
Molecular consequence: intron variant.
Genome position (GRCh38, 1-based): chr2:219,424,922, G>A. VCF-style: chr2-219424922-G-A. GRCh37 (hg19) VCF-style: chr2-220289644-G-A.
Other names: c.1289-741G>A (NM_001382712.1, NM_001927.3); c.1268-741G>A (NM_001382711.1); c.1220-741G>A (NM_001382710.1); c.857-741G>A (NM_001382709.1); c.1286-741G>A (NM_001382708.1); c.1019-741G>A (NM_001382713.1).
Identifiers: ClinVar variation 1675841 (VCV001675841.34), dbSNP rs985650778, ClinGen allele CA65986342.